The following is an entry in ClinVar:

NM_001844.5(COL2A1):c.516C>T (p.Pro172=)

Gene: COL2A1 (collagen type II alpha 1 chain; minus strand). Cytogenetic location: 12q13.11.
Variant type: single nucleotide variant.
Coding change: c.516C>T on transcript NM_001844.5 (MANE Select); coding-DNA position 516, C replaced by T.
Protein change: p.Pro172=; no amino-acid change (proline 172 retained).
Molecular consequence: synonymous variant.
Genome position (GRCh38, 1-based): chr12:47,997,621, G>A on the plus strand (C>T on the coding strand, the complement: COL2A1 is on the minus strand). VCF-style: chr12-47997621-G-A. GRCh37 (hg19) VCF-style: chr12-48391404-G-A.
Other names: c.309C>T, p.Pro103= (NM_033150.3).
Identifiers: ClinVar variation 3041072 (VCV003041072.2), dbSNP rs2540179992, ClinGen allele CA479443618.
Genomic context (GRCh38, chr12:47,997,621, plus strand): 5'-TTTCTGGAGGGACAGCCTGAAGGAATGGGAAGTAAGGATACTTACTCCACCAAGACCAGG[G>A]GGACCAGGGGGGCCGGGAGGACCAGGGGGGCCAGGATTTCCAGGGGTCCCAGGTTCTCCA-3'
Protein context (NP_001835.3, residues 162-182): GPPGPPGPPG[Pro172=]PGLGGNFAAQ

ClinVar aggregate classification (germline): Likely benign (0 of 4 stars; one submission).

Conditions:
COL2A1-related disorder. Also called: COL2A1-related condition; COL2A1-related disorders.

Allele frequency attached by ClinVar (database versions not stated): gnomAD exomes below 0.00001.
gnomAD v4.1: 2 of 1,613,818 alleles (0.00012%); highest among the groups gnomAD compares: Non-Finnish European, 0.000085%; no homozygotes.

Submission:

PreventionGenetics, part of Exact Sciences
Classification: Likely benign for COL2A1-related condition. Last evaluated: 2019-03-20. Review status: no assertion criteria provided. Collection method: clinical testing. Allele origin: germline.
Comment: This variant is classified as likely benign based on ACMG/AMP sequence variant interpretation guidelines (Richards et al. 2015 PMID: 25741868, with internal and published modifications).